The following is an entry in ClinVar:

NM_005515.4(MNX1):c.372_386del (p.Ala130_Ala134del)

Gene: MNX1 (motor neuron and pancreas homeobox 1; minus strand). Cytogenetic location: 7q36.3.
Variant type: Deletion.
Coding change: c.372_386del on transcript NM_005515.4 (MANE Select); coding-DNA positions 372 to 386, 15 bases deleted (TGCCGCCGCCGCCGC).
Protein change: p.Ala130_Ala134del.
Molecular consequence: inframe deletion.
Genome position (GRCh38, 1-based): chr7:157,009,965-157,009,979, GCGGCGGCGGCGGCA deleted on the plus strand (TGCCGCCGCCGCCGC on the coding strand, the reverse complement: MNX1 is on the minus strand); deleting any 15 consecutive bases within chr7:157,009,965-157,009,984 gives the same sequence; the c. name uses the placement nearest the transcript's 3' end. VCF-style (leftmost placement, unchanged base first): chr7-157009964-GGCGGCGGCGGCGGCA-G. GRCh37 (hg19) VCF-style: chr7-156802658-GGCGGCGGCGGCGGCA-G.
Identifiers: ClinVar variation 1503820 (VCV001503820.33), dbSNP rs1354280506, ClinGen allele CA835795885.

ClinVar aggregate classification (germline): Uncertain significance. Review status: criteria provided, multiple submitters, no conflicts (2 of 4 stars). 2 submissions from 2 submitters: Uncertain significance (2). Last evaluated 2025-10-01.

Submissions (2):

Labcorp Genetics (formerly Invitae), Labcorp
Classification: Uncertain significance. Last evaluated: 2025-10-01. Review status: criteria provided, single submitter. Criteria: Invitae Variant Classification Sherloc (09022015). Collection method: clinical testing. Allele origin: germline.
Comment: This variant, c.372_386del, results in the deletion of 5 amino acid(s) of the MNX1 protein (p.Ala130_Ala134del), but otherwise preserves the integrity of the reading frame. The frequency data for this variant in the population databases is considered unreliable, as metrics indicate insufficient coverage at this position in the gnomAD database. This variant has not been reported in the literature in individuals affected with MNX1-related conditions. ClinVar contains an entry for this variant (Variation ID: 1503820). Experimental studies and prediction algorithms are not available or were not evaluated, and the functional significance of this variant is currently unknown. In summary, the available evidence is currently insufficient to determine the role of this variant in disease. Therefore, it has been classified as a Variant of Uncertain Significance.

CeGaT Center for Human Genetics Tuebingen
Classification: Uncertain significance. Last evaluated: 2023-03-01. Review status: criteria provided, single submitter. Criteria: CeGaT Center For Human Genetics Tuebingen Variant Classification Criteria Version 2. Collection method: clinical testing. Allele origin: germline. Affected: yes. Observed: 1 variant allele.
Comment: MNX1: PM2:Supporting, BP3